The following is an entry in ClinVar:

NM_001365276.2(TNXB):c.3422C>T (p.Pro1141Leu)

Gene: TNXB (tenascin XB; minus strand). Cytogenetic location: 6p21.33.
Variant type: single nucleotide variant.
Coding change: c.3422C>T on transcript NM_001365276.2 (MANE Select); coding-DNA position 3422, C replaced by T.
Protein change: p.Pro1141Leu; replaces proline 1141 with leucine.
Molecular consequence: missense variant.
Genome position (GRCh38, 1-based): chr6:32,084,436, G>A on the plus strand (C>T on the coding strand, the complement: TNXB is on the minus strand). VCF-style: chr6-32084436-G-A. GRCh37 (hg19) VCF-style: chr6-32052213-G-A.
Other names: c.3422C>T, p.Pro1141Leu (NM_019105.8); short protein forms P1141L.
Identifiers: ClinVar variation 2624721 (VCV002624721.3), dbSNP rs771352294, ClinGen allele CA3735186.

ClinVar aggregate classification (germline): Uncertain significance. Review status: criteria provided, multiple submitters, no conflicts (2 of 4 stars). 2 submissions from 2 submitters: Uncertain significance (2). Last evaluated 2024-10-17.

Conditions:
Cardiovascular phenotype. Identifiers: MedGen CN230736.

Allele frequency attached by ClinVar (database versions not stated): gnomAD exomes 0.00001; ExAC 0.00002; gnomAD 0.00004; TOPMed 0.00006.
gnomAD v4.1: 26 of 1,593,188 alleles (0.0016%); highest among the groups gnomAD compares: East Asian, 0.009%; no homozygotes.

Submissions (2):

GeneDx
Classification: Uncertain significance. Last evaluated: 2024-10-17. Review status: criteria provided, single submitter. Criteria: GeneDx Variant Classification Process June 2021. Collection method: clinical testing. Allele origin: germline. Affected: yes.
Comment: Has not been previously published as pathogenic or benign to our knowledge; In silico analysis supports that this missense variant has a deleterious effect on protein structure/function

Ambry Genetics
Classification: Uncertain significance for Cardiovascular phenotype. Last evaluated: 2024-01-03. Review status: criteria provided, single submitter. Criteria: Ambry Variant Classification Scheme 2023. Collection method: clinical testing. Allele origin: germline.